The following is an entry in ClinVar:

ClinVar aggregate classification (germline): Uncertain significance (1 of 4 stars; one submission).

gnomAD v4.1: 15 of 1,614,096 alleles (0.00093%); highest among the groups gnomAD compares: Non-Finnish European, 0.0011%; no homozygotes.

Submission:

Labcorp Genetics (formerly Invitae), Labcorp
Classification: Uncertain significance. Last evaluated: 2024-03-13. Review status: criteria provided, single submitter. Criteria: Invitae Variant Classification Sherloc (09022015). Collection method: clinical testing. Allele origin: germline.
Comment: This sequence change replaces arginine, which is basic and polar, with serine, which is neutral and polar, at codon 1725 of the FN1 protein (p.Arg1725Ser). This variant is present in population databases (rs764004574, gnomAD 0.0009%). This variant has not been reported in the literature in individuals affected with FN1-related conditions. An algorithm developed to predict the effect of missense changes on protein structure and function (PolyPhen-2) suggests that this variant is likely to be disruptive. In summary, the available evidence is currently insufficient to determine the role of this variant in disease. Therefore, it has been classified as a Variant of Uncertain Significance.

NM_212482.4(FN1):c.5173C>A (p.Arg1725Ser)

Gene: FN1 (fibronectin 1; minus strand). Cytogenetic location: 2q35.
Variant type: single nucleotide variant.
Coding change: c.5173C>A on transcript NM_212482.4 (MANE Select); coding-DNA position 5173, C replaced by A.
Protein change: p.Arg1725Ser; replaces arginine 1725 with serine.
Molecular consequence: missense variant. On other transcripts: intron variant (10).
Genome position (GRCh38, 1-based): chr2:215,381,072, G>T on the plus strand (C>A on the coding strand, the complement: FN1 is on the minus strand). VCF-style: chr2-215381072-G-T. GRCh37 (hg19) VCF-style: chr2-216245795-G-T.
Other names: c.4900C>A, p.Arg1634Ser (NM_001365518.2, NM_001365520.2, NM_001365524.2 and 2 more transcripts); c.4891+1140C>A (NM_212474.3, NM_001306132.2, NM_001365523.2 and 2 more transcripts); c.5164+1140C>A (NM_001306130.2, NM_001365522.2, NM_001365519.2 and 2 more transcripts); c.5173C>A, p.Arg1725Ser (NM_001306129.2); short protein forms R1634S, R1725S.
Identifiers: ClinVar variation 3706013 (VCV003706013.2).